The following is an entry in ClinVar:

NM_001372.4(DNAH9):c.324C>G (p.Pro108=)

Gene: DNAH9 (dynein axonemal heavy chain 9; plus strand). Cytogenetic location: 17p12.
Variant type: single nucleotide variant.
Coding change: c.324C>G on transcript NM_001372.4 (MANE Select); coding-DNA position 324, C replaced by G.
Protein change: p.Pro108=; no amino-acid change (proline 108 retained).
Molecular consequence: synonymous variant.
Genome position (GRCh38, 1-based): chr17:11,598,822, C>G. VCF-style: chr17-11598822-C-G. GRCh37 (hg19) VCF-style: chr17-11502139-C-G.
Identifiers: ClinVar variation 2963743 (VCV002963743.8), dbSNP rs758724578, ClinGen allele CA8394491.

ClinVar aggregate classification (germline): Likely benign. Review status: criteria provided, multiple submitters, no conflicts (2 of 4 stars). 3 submissions from 3 submitters: Likely benign (3). Last evaluated 2026-03-01.

Allele frequency attached by ClinVar (database versions not stated): ExAC 0.00014.
gnomAD v4.1: 52 of 1,495,140 alleles (0.0035%); highest among the groups gnomAD compares: East Asian, 0.039%; no homozygotes.

Submissions (3):

CeGaT Center for Human Genetics Tuebingen
Classification: Likely benign. Last evaluated: 2026-03-01. Review status: criteria provided, single submitter. Criteria: CeGaT Center For Human Genetics Tuebingen Variant Classification Criteria Version 2. Collection method: clinical testing. Allele origin: germline. Affected: yes. Observed: 1 variant allele.
Comment: DNAH9: BP4, BP7

Labcorp Genetics (formerly Invitae), Labcorp
Classification: Likely benign. Last evaluated: 2025-02-19. Review status: criteria provided, single submitter. Criteria: Invitae Variant Classification Sherloc (09022015). Collection method: clinical testing. Allele origin: germline.

Blueprint Genetics
Classification: Likely benign. Last evaluated: 2022-06-03. Review status: criteria provided, single submitter. Criteria: ACMG Guidelines, 2015. Collection method: clinical testing. Allele origin: germline.